The following is an entry in ClinVar:

NM_014363.6(SACS):c.13561_13562del (p.Thr4520_Asn4521insTer)

Gene: SACS (sacsin molecular chaperone; minus strand). Cytogenetic location: 13q12.12.
Variant type: Deletion.
Coding change: c.13561_13562del on transcript NM_014363.6 (MANE Select); coding-DNA positions 13561 to 13562, 2 bases deleted (AA; older notation c.13561_13562delAA).
Protein change: p.Thr4520_Asn4521insTer.
Molecular consequence: nonsense.
Genome position (GRCh38, 1-based): chr13:23,330,314-23,330,315, TT deleted on the plus strand (AA on the coding strand, the reverse complement: SACS is on the minus strand); deleting any 2 consecutive bases within chr13:23,330,314-23,330,316 gives the same sequence; the c. name uses the placement nearest the transcript's 3' end. VCF-style (leftmost placement, unchanged base first): chr13-23330313-ATT-A. GRCh37 (hg19) VCF-style: chr13-23904452-ATT-A.
Other names: c.13120_13121del, p.Thr4373_Asn4374insTer (NM_001278055.2); c.13561_13562delAA (NM_014363.6).
Identifiers: ClinVar variation 3068576 (VCV003068576.1), dbSNP rs2542135628, ClinGen allele CA2573334442.

ClinVar aggregate classification (germline): Uncertain significance (1 of 4 stars; one submission).

Conditions:
Charlevoix-Saguenay spastic ataxia (SACS). Also called: AUTOSOMAL RECESSIVE SPASTIC ATAXIA OF CHARLEVOIX-SAGUENAY; SPASTIC ATAXIA 6, AUTOSOMAL RECESSIVE; Spastic ataxia of Charlevoix-Saguenay. Identifiers: Orphanet 98, MedGen C1849140, MONDO:0010041, OMIM 270550.

Submission:

Molecular Genetics, Royal Melbourne Hospital
Classification: Uncertain significance for Charlevoix-Saguenay spastic ataxia. Last evaluated: 2022-12-23. Review status: criteria provided, single submitter. Criteria: ACMG Guidelines, 2015. Collection method: clinical testing. Allele origin: germline.
Comment: This sequence change in SACS is a frameshift variant predicted to cause a premature stop codon, p.(Asn4521*), that is predicted to escape nonsense-mediated decay and remove <10% of the protein, however it is a truncation of a functionally important HEPN domain (removes amino acids 4521-4579) in a gene where loss of function is an established disease mechanism (PMID: 21507954). This variant is absent from the population database gnomAD v2.1 and v3.1. To our knowledge, this variant has not been reported in the relevant scientific literature or databases. Based on the classification scheme RMH Modified ACMG Guidelines v1.5.1, this variant is classified as a VARIANT OF UNCERTAIN SIGNIFICANCE. Following criteria are met: PVS1_Strong, PM2_Supporting.

Literature cited by the submitters: PubMed 21507954.